The following is an entry in ClinVar:

NM_001204.7(BMPR2):c.1128+1G>C

Gene: BMPR2 (bone morphogenetic protein receptor type 2; plus strand). Cytogenetic location: 2q33.2.
Variant type: single nucleotide variant.
Coding change: c.1128+1G>C on transcript NM_001204.7 (MANE Select); the canonical splice donor site of the intron after coding-DNA position 1128, G replaced by C.
Molecular consequence: splice donor variant.
Genome position (GRCh38, 1-based): chr2:202,530,955, G>C. VCF-style: chr2-202530955-G-C. GRCh37 (hg19) VCF-style: chr2-203395678-G-C.
Identifiers: ClinVar variation 280837 (VCV000280837.17), dbSNP rs863223420, ClinGen allele CA10602826.

ClinVar aggregate classification (germline): Pathogenic. Review status: criteria provided, multiple submitters, no conflicts (2 of 4 stars). 3 submissions from 3 submitters: Pathogenic (2). 1 of the submissions does not count toward it. Last evaluated 2025-07-03.

Conditions:
Idiopathic and/or familial pulmonary arterial hypertension. Identifiers: Orphanet 422, MedGen C5679820, MONDO:0008347.
Pulmonary arterial hypertension. Identifiers: Orphanet 182090, MedGen C2973725, MeSH D000081029, MONDO:0015924, HP:0002092.
Primary pulmonary hypertension. Also called: Idiopathic pulmonary hypertension. Identifiers: MedGen C0152171.

Submissions (3):

GeneDx
Classification: Pathogenic. Last evaluated: 2025-07-03. Review status: criteria provided, single submitter. Criteria: GeneDx Variant Classification Process June 2021. Collection method: clinical testing. Allele origin: germline. Affected: yes.
Comment: Has been reported in an individual with pulmonary arterial hypertension (PAH) (PMID: 31727138); Not observed at significant frequency in large population cohorts (gnomAD); Canonical splice site variant predicted to result in a null allele in a gene for which loss of function is a known mechanism of disease; This variant is associated with the following publications: (PMID: 31727138)

Labcorp Genetics (formerly Invitae), Labcorp
Classification: Pathogenic for Primary pulmonary hypertension. Last evaluated: 2018-08-30. Review status: criteria provided, single submitter. Criteria: Invitae Variant Classification Sherloc (09022015). Collection method: clinical testing. Allele origin: germline.
Comment: Disruption of this splice site has been observed in individuals affected with pulmonary hypertension (PMID: 12821254, 16429395, 29650961, Invitae). ClinVar contains an entry for this variant (Variation ID: 280837). Algorithms developed to predict the effect of sequence changes on RNA splicing suggest that this variant may disrupt the consensus splice site, but this prediction has not been confirmed by published transcriptional studies. Donor and acceptor splice site variants typically lead to a loss of protein function (PMID: 16199547), and loss-of-function variants in BMPR2 are known to be pathogenic (PMID: 16429395). For these reasons, this variant has been classified as Pathogenic. This variant is not present in population databases (ExAC no frequency). This sequence change affects a donor splice site in intron 8 of the BMPR2 gene. It is expected to disrupt RNA splicing and likely results in an absent or disrupted protein product.

Wendy Chung Laboratory, Boston Children's Hospital
No classification provided. Condition: Idiopathic and/or familial pulmonary arterial hypertension. Review status: no classification provided. Collection method: literature only. Allele origin: germline. Affected: yes. Not counted in ClinVar's aggregate classification.

Literature cited by the submitters: PubMed 12821254 (cited by Labcorp Genetics (formerly Invitae), Labcorp); PubMed 16429395 (cited by Labcorp Genetics (formerly Invitae), Labcorp); PubMed 29650961 (cited by Labcorp Genetics (formerly Invitae), Labcorp); PubMed 16199547 (cited by Labcorp Genetics (formerly Invitae), Labcorp); PubMed 31727138 (cited by Wendy Chung Laboratory, Boston Children's Hospital).